The following is an entry in ClinVar:

NM_001379500.1(COL18A1):c.269G>A (p.Arg90His)

Gene: COL18A1 (collagen type XVIII alpha 1 chain; plus strand). Cytogenetic location: 21q22.3.
Variant type: single nucleotide variant.
Coding change: c.269G>A on transcript NM_001379500.1 (MANE Select); coding-DNA position 269, G replaced by A.
Protein change: p.Arg90His; replaces arginine 90 with histidine.
Molecular consequence: missense variant.
Genome position (GRCh38, 1-based): chr21:45,468,404, G>A. VCF-style: chr21-45468404-G-A. GRCh37 (hg19) VCF-style: chr21-46888318-G-A.
Other names: c.809G>A, p.Arg270His (NM_030582.4); c.1514G>A, p.Arg505His (NM_130444.3); short protein forms R505H, R270H, R90H.
Identifiers: ClinVar variation 1384835 (VCV001384835.3), dbSNP rs555610408, ClinGen allele CA10065711.

ClinVar aggregate classification (germline): Uncertain significance (1 of 4 stars; one submission).

Allele frequency attached by ClinVar (database versions not stated): gnomAD 0.00001 and 0.00002; TOPMed 0.00002; 1000 Genomes Project 30x 0.00016; 1000 Genomes Project 0.00020.
gnomAD v4.1: 29 of 1,614,002 alleles (0.0018%); highest among the groups gnomAD compares: East Asian, 0.0067%; no homozygotes.

Submission:

Labcorp Genetics (formerly Invitae), Labcorp
Classification: Uncertain significance. Last evaluated: 2022-07-25. Review status: criteria provided, single submitter. Criteria: Invitae Variant Classification Sherloc (09022015). Collection method: clinical testing. Allele origin: germline.
Comment: This sequence change replaces arginine, which is basic and polar, with histidine, which is basic and polar, at codon 90 of the COL18A1 protein (p.Arg90His). This variant is present in population databases (rs555610408, gnomAD 0.006%). This variant has not been reported in the literature in individuals affected with COL18A1-related conditions. ClinVar contains an entry for this variant (Variation ID: 1384835). Experimental studies and prediction algorithms are not available or were not evaluated, and the functional significance of this variant is currently unknown. In summary, the available evidence is currently insufficient to determine the role of this variant in disease. Therefore, it has been classified as a Variant of Uncertain Significance.